The following is an entry in ClinVar:

NM_002241.5(KCNJ10):c.938C>T (p.Pro313Leu)

Gene: KCNJ10 (potassium inwardly rectifying channel subfamily J member 10; minus strand). Cytogenetic location: 1q23.2.
Variant type: single nucleotide variant.
Coding change: c.938C>T on transcript NM_002241.5 (MANE Select); coding-DNA position 938, C replaced by T.
Protein change: p.Pro313Leu; replaces proline 313 with leucine.
Molecular consequence: missense variant.
Genome position (GRCh38, 1-based): chr1:160,041,595, G>A on the plus strand (C>T on the coding strand, the complement: KCNJ10 is on the minus strand). VCF-style: chr1-160041595-G-A. GRCh37 (hg19) VCF-style: chr1-160011385-G-A.
Other names: short protein forms P313L.
Identifiers: ClinVar variation 1999671 (VCV001999671.4), dbSNP rs2525429365, ClinGen allele CA343223491.

ClinVar aggregate classification (germline): Uncertain significance (1 of 4 stars; one submission).

Conditions:
EAST syndrome (SESAMES). Also called: SEIZURES, SENSORINEURAL DEAFNESS, ATAXIA, IMPAIRED INTELLECTUAL DEVELOPMENT, AND ELECTROLYTE IMBALANCE. Identifiers: Orphanet 199343, MedGen C2748572, MONDO:0013005, OMIM 612780.

Submission:

Labcorp Genetics (formerly Invitae), Labcorp
Classification: Uncertain significance for EAST syndrome. Last evaluated: 2022-05-27. Review status: criteria provided, single submitter. Criteria: Invitae Variant Classification Sherloc (09022015). Collection method: clinical testing. Allele origin: germline.
Comment: In summary, the available evidence is currently insufficient to determine the role of this variant in disease. Therefore, it has been classified as a Variant of Uncertain Significance. Algorithms developed to predict the effect of missense changes on protein structure and function are either unavailable or do not agree on the potential impact of this missense change (SIFT: "Tolerated"; PolyPhen-2: "Probably Damaging"; Align-GVGD: "Class C0"). This variant has not been reported in the literature in individuals affected with KCNJ10-related conditions. This variant is not present in population databases (gnomAD no frequency). This sequence change replaces proline, which is neutral and non-polar, with leucine, which is neutral and non-polar, at codon 313 of the KCNJ10 protein (p.Pro313Leu).